The following is an entry in ClinVar:

ClinVar aggregate classification (germline): Uncertain significance (1 of 4 stars; one submission).

Conditions:
Hereditary cancer-predisposing syndrome. Also called: Neoplastic Syndromes, Hereditary; Tumor predisposition; Hereditary Cancer Syndrome; Hereditary neoplastic syndrome. Identifiers: Orphanet 140162, MedGen C0027672, MeSH D009386, MONDO:0015356.

gnomAD v4.1: 1 of 1,614,032 alleles (0.000062%); highest among the groups gnomAD compares: Non-Finnish European, 0.000085%; no homozygotes.

Submission:

Ambry Genetics
Classification: Uncertain significance for Hereditary cancer-predisposing syndrome. Last evaluated: 2026-05-05. Review status: criteria provided, single submitter. Criteria: Ambry Variant Classification Scheme 2023. Collection method: clinical testing. Allele origin: germline.
Comment: The p.Q92R variant (also known as c.275A>G), located in coding exon 2 of the SMARCA4 gene, results from an A to G substitution at nucleotide position 275. The glutamine at codon 92 is replaced by arginine, an amino acid with highly similar properties. This amino acid position is well conserved in available vertebrate species. In addition, this alteration is predicted to be deleterious by in silico analysis. Based on the available evidence, the clinical significance of this variant remains unclear.

NM_003072.5(SMARCA4):c.275A>G (p.Gln92Arg)

Gene: SMARCA4 (SWI/SNF related BAF chromatin remodeling complex subunit ATPase 4; plus strand). Cytogenetic location: 19p13.2.
Variant type: single nucleotide variant.
Coding change: c.275A>G on transcript NM_003072.5 (MANE Select); coding-DNA position 275, A replaced by G.
Protein change: p.Gln92Arg; replaces glutamine 92 with arginine.
Molecular consequence: missense variant. On other transcripts: non-coding transcript variant (1).
Genome position (GRCh38, 1-based): chr19:10,985,325, A>G. VCF-style: chr19-10985325-A-G. GRCh37 (hg19) VCF-style: chr19-11096001-A-G.
Other names: c.275A>G, p.Gln92Arg (NM_001128844.3, NM_001128845.2, NM_001128846.2 and 6 more transcripts); short protein forms Q92R.
Identifiers: ClinVar variation 4864770 (VCV004864770.1).